The following is an entry in ClinVar:

ClinVar aggregate classification (germline): Uncertain significance. Review status: criteria provided, multiple submitters, no conflicts (2 of 4 stars). 3 submissions from 3 submitters: Uncertain significance (2). 1 of the submissions does not count toward it. Last evaluated 2023-01-06.

Conditions:
Inborn genetic diseases. Identifiers: MedGen C0950123, MeSH D030342.
PCNT-related disorder. Also called: PCNT-related condition.

Allele frequency attached by ClinVar (database versions not stated): ExAC 0.00002; TOPMed 0.00002; gnomAD 0.00003; 1000 Genomes Project 30x 0.00016; 1000 Genomes Project 0.00020.
gnomAD v4.1: 55 of 1,614,104 alleles (0.0034%); highest among the groups gnomAD compares: Non-Finnish European, 0.0045%; no homozygotes.

Submissions (3):

Ambry Genetics
Classification: Uncertain significance for Inborn genetic diseases. Last evaluated: 2023-01-06. Review status: criteria provided, single submitter. Criteria: Ambry Variant Classification Scheme 2023. Collection method: clinical testing. Allele origin: germline.

Labcorp Genetics (formerly Invitae), Labcorp
Classification: Uncertain significance. Last evaluated: 2022-07-15. Review status: criteria provided, single submitter. Criteria: Invitae Variant Classification Sherloc (09022015). Collection method: clinical testing. Allele origin: germline.
Comment: This sequence change replaces glutamic acid, which is acidic and polar, with glutamine, which is neutral and polar, at codon 961 of the PCNT protein (p.Glu961Gln). This variant is present in population databases (rs186112058, gnomAD 0.005%). This variant has not been reported in the literature in individuals affected with PCNT-related conditions. Algorithms developed to predict the effect of missense changes on protein structure and function output the following: SIFT: "Deleterious"; PolyPhen-2: "Possibly Damaging"; Align-GVGD: "Class C25". The glutamine amino acid residue is found in multiple mammalian species, which suggests that this missense change does not adversely affect protein function. In summary, the available evidence is currently insufficient to determine the role of this variant in disease. Therefore, it has been classified as a Variant of Uncertain Significance.

PreventionGenetics, part of Exact Sciences
Classification: Uncertain significance for PCNT-related condition. Last evaluated: 2024-08-24. Review status: no assertion criteria provided. Collection method: clinical testing. Allele origin: germline. Not counted in ClinVar's aggregate classification.
Comment: The PCNT c.2881G>C variant is predicted to result in the amino acid substitution p.Glu961Gln. To our knowledge, this variant has not been reported in the literature. This variant is reported in 0.0070% of alleles in individuals of European (Non-Finnish) descent in gnomAD. At this time, the clinical significance of this variant is uncertain due to the absence of conclusive functional and genetic evidence.

NM_006031.6(PCNT):c.2881G>C (p.Glu961Gln)

Gene: PCNT (pericentrin; plus strand). Cytogenetic location: 21q22.3.
Variant type: single nucleotide variant.
Coding change: c.2881G>C on transcript NM_006031.6 (MANE Select); coding-DNA position 2881, G replaced by C.
Protein change: p.Glu961Gln; replaces glutamic acid 961 with glutamine.
Molecular consequence: missense variant.
Genome position (GRCh38, 1-based): chr21:46,366,855, G>C. VCF-style: chr21-46366855-G-C. GRCh37 (hg19) VCF-style: chr21-47786770-G-C.
Other names: c.2527G>C, p.Glu843Gln (NM_001315529.2); c.2881G>C (NM_006031.5); short protein forms E843Q, E961Q.
Identifiers: ClinVar variation 2081050 (VCV002081050.4), dbSNP rs186112058, ClinGen allele CA10079121.